The following is an entry in ClinVar:

ClinVar aggregate classification (germline): Uncertain significance (1 of 4 stars; one submission).

Allele frequency attached by ClinVar (database versions not stated): gnomAD 0.00001; gnomAD exomes 0.00001 and 0.00006; TOPMed 0.00001; ExAC 0.00007.

Submission:

Labcorp Genetics (formerly Invitae), Labcorp
Classification: Uncertain significance. Last evaluated: 2025-10-23. Review status: criteria provided, single submitter. Criteria: Invitae Variant Classification Sherloc (09022015). Collection method: clinical testing. Allele origin: germline.
Comment: This sequence change replaces proline, which is neutral and non-polar, with leucine, which is neutral and non-polar, at codon 276 of the MYLK3 protein (p.Pro276Leu). This variant is present in population databases (rs762412588, gnomAD 0.03%). This variant has not been reported in the literature in individuals affected with MYLK3-related conditions. ClinVar contains an entry for this variant (Variation ID: 1426046). An algorithm developed to predict the effect of missense changes on protein structure and function (PolyPhen-2) suggests that this variant is likely to be tolerated. In summary, the available evidence is currently insufficient to determine the role of this variant in disease. Therefore, it has been classified as a Variant of Uncertain Significance.

NM_182493.3(MYLK3):c.827C>T (p.Pro276Leu)

Gene: MYLK3 (myosin light chain kinase 3; minus strand). Cytogenetic location: 16q11.2.
Variant type: single nucleotide variant.
Coding change: c.827C>T on transcript NM_182493.3 (MANE Select); coding-DNA position 827, C replaced by T.
Protein change: p.Pro276Leu; replaces proline 276 with leucine.
Molecular consequence: missense variant. On other transcripts: intron variant (1).
Genome position (GRCh38, 1-based): chr16:46,737,885, G>A on the plus strand (C>T on the coding strand, the complement: MYLK3 is on the minus strand). VCF-style: chr16-46737885-G-A. GRCh37 (hg19) VCF-style: chr16-46771797-G-A.
Other names: c.-23+2172C>T (NM_001308301.1); short protein forms P276L.
Identifiers: ClinVar variation 1426046 (VCV001426046.6), dbSNP rs762412588, ClinGen allele CA8038136.